The following is an entry in ClinVar:

NM_004655.4(AXIN2):c.908C>G (p.Ser303Cys)

Gene: AXIN2 (axin 2; minus strand). Cytogenetic location: 17q24.1.
Variant type: single nucleotide variant.
Coding change: c.908C>G on transcript NM_004655.4 (MANE Select); coding-DNA position 908, C replaced by G.
Protein change: p.Ser303Cys; replaces serine 303 with cysteine.
Molecular consequence: missense variant.
Genome position (GRCh38, 1-based): chr17:65,549,568, G>C on the plus strand (C>G on the coding strand, the complement: AXIN2 is on the minus strand). VCF-style: chr17-65549568-G-C. GRCh37 (hg19) VCF-style: chr17-63545686-G-C.
Other names: c.908C>G, p.Ser303Cys (NM_001363813.1); c.908C>G (LRG_296t1); short protein forms S303C.
Identifiers: ClinVar variation 650609 (VCV000650609.8), dbSNP rs1598110382, ClinGen allele CA400679517.

ClinVar aggregate classification (germline): Uncertain significance (1 of 4 stars; one submission).

Conditions:
Oligodontia-cancer predisposition syndrome. Also called: TOOTH AGENESIS-COLORECTAL CANCER SYNDROME. Identifiers: Orphanet 300576, MedGen C1837750, MONDO:0012075, OMIM 608615. Disease mechanism: loss of function.

Submission:

Labcorp Genetics (formerly Invitae), Labcorp
Classification: Uncertain significance for Oligodontia-cancer predisposition syndrome. Last evaluated: 2018-12-13. Review status: criteria provided, single submitter. Criteria: Invitae Variant Classification Sherloc (09022015). Collection method: clinical testing. Allele origin: germline.
Comment: This sequence change replaces serine with cysteine at codon 303 of the AXIN2 protein (p.Ser303Cys). The serine residue is highly conserved and there is a moderate physicochemical difference between serine and cysteine. This variant is not present in population databases (ExAC no frequency). This variant has not been reported in the literature in individuals with AXIN2-related conditions. Algorithms developed to predict the effect of missense changes on protein structure and function (SIFT, PolyPhen-2, Align-GVGD) all suggest that this variant is likely to be disruptive, but these predictions have not been confirmed by published functional studies and their clinical significance is uncertain. In summary, the available evidence is currently insufficient to determine the role of this variant in disease. Therefore, it has been classified as a Variant of Uncertain Significance.